The following is an entry in ClinVar:

NM_004006.3(DMD):c.2827C>T (p.Arg943Cys)

Gene: DMD (dystrophin; minus strand). Cytogenetic location: Xp21.1.
Variant type: single nucleotide variant.
Coding change: c.2827C>T on transcript NM_004006.3 (MANE Select); coding-DNA position 2827, C replaced by T.
Protein change: p.Arg943Cys; replaces arginine 943 with cysteine.
Molecular consequence: missense variant.
Genome position (GRCh38, 1-based): chrX:32,472,286, G>A on the plus strand (C>T on the coding strand, the complement: DMD is on the minus strand). VCF-style: chrX-32472286-G-A. GRCh37 (hg19) VCF-style: chrX-32490403-G-A.
Other names: c.2803C>T, p.Arg935Cys (NM_000109.4); c.2815C>T, p.Arg939Cys (NM_004009.3); c.2458C>T, p.Arg820Cys (NM_004010.3); short protein forms R939C, R820C, R935C.
Identifiers: ClinVar variation 94539 (VCV000094539.35), dbSNP rs199986217, ClinGen allele CA222348.

ClinVar aggregate classification (germline): Conflicting classifications of pathogenicity. Review status: criteria provided, conflicting classifications (1 of 4 stars). 11 submissions from 11 submitters: Uncertain significance (1); Benign (5); Likely benign (4). 1 of the submissions does not count toward it. Last evaluated 2026-01-26.

Conditions:
Dystrophin deficiency.
Duchenne muscular dystrophy (DMD). Also called: MUSCULAR DYSTROPHY, PSEUDOHYPERTROPHIC PROGRESSIVE, DUCHENNE TYPE; Duchenne Muscular Dystrophy (DMD). Identifiers: Orphanet 98896, MedGen C0013264, MONDO:0010679, OMIM 310200.
Cardiomyopathy (CMYO). Also called: Cardiomyopathies. Identifiers: Orphanet 167848, MedGen C0878544, MONDO:0004994, HP:0001638. Inheritance: Various modes of inheritance.
Becker muscular dystrophy (BMD). Also called: MUSCULAR DYSTROPHY, PSEUDOHYPERTROPHIC PROGRESSIVE, BECKER TYPE; Becker Muscular Dystrophy (BMD). Identifiers: Orphanet 98895, MedGen C0917713, MONDO:0010311, OMIM 300376.
Cardiovascular phenotype. Identifiers: MedGen CN230736.
Dilated cardiomyopathy 3B (CMD3B). Also called: CMD3B: DMD-Related Dilated Cardiomyopathy; CARDIOMYOPATHY, DILATED, X-LINKED; DMD-Associated Dilated Cardiomyopathy. Identifiers: Orphanet 154, MedGen C3668940, MONDO:0010542, OMIM 302045.

Allele frequency attached by ClinVar (database versions not stated): ExAC 0.00017; TOPMed 0.00018; gnomAD exomes 0.00019; 1000 Genomes Project 30x 0.00021; gnomAD 0.00021; 1000 Genomes Project 0.00026; ESP Exome Variant Server 0.00028.
gnomAD v4.1: 227 of 1,208,551 alleles (0.019%); highest among the groups gnomAD compares: Middle Eastern, 0.092%; no homozygotes.

Submissions (11):

Labcorp Genetics (formerly Invitae), Labcorp
Classification: Benign for Duchenne muscular dystrophy. Last evaluated: 2026-01-26. Review status: criteria provided, single submitter. Criteria: Invitae Variant Classification Sherloc (09022015). Collection method: clinical testing. Allele origin: germline.

CeGaT Center for Human Genetics Tuebingen
Classification: Likely benign. Last evaluated: 2025-11-01. Review status: criteria provided, single submitter. Criteria: CeGaT Center For Human Genetics Tuebingen Variant Classification Criteria Version 2. Collection method: clinical testing. Allele origin: germline. Affected: yes. Observed: 1 variant allele.
Comment: DMD: BP4

Blueprint Genetics
Classification: Likely benign. Last evaluated: 2024-10-17. Review status: criteria provided, single submitter. Criteria: ACMG Guidelines, 2015. Collection method: clinical testing. Allele origin: germline.

GeneDx
Classification: Benign. Last evaluated: 2019-07-09. Review status: criteria provided, single submitter. Criteria: GeneDx Variant Classification Process June 2021. Collection method: clinical testing. Allele origin: germline. Affected: yes.
Comment: This variant is associated with the following publications: (PMID: 25474345, 25231023)

Mendelics
Classification: Likely benign for Duchenne muscular dystrophy. Last evaluated: 2019-05-28. Review status: criteria provided, single submitter. Criteria: Mendelics Assertion Criteria 2017. Collection method: clinical testing. Allele origin: unknown.

Women's Health and Genetics/Laboratory Corporation of America, LabCorp
Classification: Benign. Last evaluated: 2019-02-15. Review status: criteria provided, single submitter. Criteria: LabCorp Variant Classification Summary - May 2015. Collection method: clinical testing. Allele origin: germline.
Comment: Variant summary: DMD c.2827C>T (p.Arg943Cys) results in a non-conservative amino acid change located in the Spectrin/alpha-actinin repeat of the encoded protein sequence. Four of five in-silico tools predict a damaging effect of the variant on protein function. The variant allele was found at a frequency of 0.00018 in 199644 control chromosomes, including 14 hemizygotes (gnomAD). The high occurrence in hemizygous control individuals suggests this variant is benign. DMD gene is found to be tolerant to missense changes (Z = -4.82, ExAC) providing further evidence in support of a benign role for the variant. c.2827C>T has been reported in the literature in individuals affected with Stargardt macular dystrophy and dilated cardiomyopathy (Haas_2015, Zaneveld_2015). These reports do not provide unequivocal conclusions about association of the variant with Dystrophiopathies. To our knowledge, no experimental evidence demonstrating an impact on protein function has been reported. Four ClinVar submissions from clinical diagnostic laboratories (evaluation after 2014) cite the variant as benign (3x) and once as likely benign. Based on the evidence outlined above, the variant was classified as benign.

Ambry Genetics
Classification: Benign for Cardiovascular phenotype. Last evaluated: 2017-12-27. Review status: criteria provided, single submitter. Criteria: Ambry Variant Classification Scheme 2023. Collection method: clinical testing. Allele origin: germline.

Illumina Laboratory Services, Illumina
Classification: Uncertain significance for Dilated cardiomyopathy 3B. Last evaluated: 2017-05-01. Review status: criteria provided, single submitter. Criteria: ICSL Variant Classification Criteria 13 December 2019. Collection method: clinical testing. Allele origin: germline.
Comment: This variant was observed as part of a predisposition screen in an ostensibly healthy population. A literature search was performed for the gene, cDNA change, and amino acid change (where applicable). Publications were found based on this search. However, the evidence from the literature, in combination with allele frequency data from public databases where available, was not sufficient to rule this variant in or out of causing disease. Therefore, this variant is classified as a variant of unknown significance.

Eurofins Ntd Llc (ga)
Classification: Benign. Last evaluated: 2016-05-31. Review status: criteria provided, single submitter. Criteria: EGL Classification Definitions 2015. Collection method: clinical testing. Allele origin: germline. Observed: 5 variant alleles, 2 heterozygotes, 3 hemizygotes.

Molecular Diagnostic Laboratory for Inherited Cardiovascular Disease, Montreal Heart Institute
Classification: Likely benign. Review status: criteria provided, single submitter. Criteria: ACMG Guidelines, 2015. Collection method: clinical testing. Allele origin: germline. Affected: yes.

Natera, Inc.
Classification: Likely benign for Becker muscular dystrophy; Cardiomyopathy; Duchenne muscular dystrophy; Dystrophin deficiency. Last evaluated: 2017-11-15. Review status: no assertion criteria provided. Collection method: clinical testing. Allele origin: germline. Not counted in ClinVar's aggregate classification.

Literature cited by the submitters: PubMed 25163546 (cited by Women's Health and Genetics/Laboratory Corporation of America, LabCorp); PubMed 25474345 (cited by 3 submitters); PubMed 25231023 (cited by Illumina Laboratory Services, Illumina).